The following is an entry in ClinVar:

NM_001194998.2(CEP152):c.121A>G (p.Met41Val)

Gene: CEP152 (centrosomal protein 152; minus strand). Cytogenetic location: 15q21.1.
Variant type: single nucleotide variant.
Coding change: c.121A>G on transcript NM_001194998.2 (MANE Select); coding-DNA position 121, A replaced by G.
Protein change: p.Met41Val; replaces methionine 41 with valine.
Molecular consequence: missense variant.
Genome position (GRCh38, 1-based): chr15:48,798,018, T>C on the plus strand (A>G on the coding strand, the complement: CEP152 is on the minus strand). VCF-style: chr15-48798018-T-C. GRCh37 (hg19) VCF-style: chr15-49090215-T-C.
Other names: c.121A>G, p.Met41Val (NM_014985.4); short protein forms M41V.
Identifiers: ClinVar variation 3336007 (VCV003336007.1).

ClinVar aggregate classification (germline): Uncertain significance (1 of 4 stars; one submission).

gnomAD v4.1: 4 of 1,614,014 alleles (0.00025%); highest among the groups gnomAD compares: South Asian, 0.0033%; no homozygotes.

Submission:

Women's Health and Genetics/Laboratory Corporation of America, LabCorp
Classification: Uncertain significance. Last evaluated: 2024-05-13. Review status: criteria provided, single submitter. Criteria: LabCorp Variant Classification Summary - May 2015. Collection method: clinical testing. Allele origin: germline.
Comment: Variant summary: CEP152 c.121A>G (p.Met41Val) results in a conservative amino acid change in the encoded protein sequence. Three of five in-silico tools predict a damaging effect of the variant on protein function. The variant allele was found at a frequency of 4e-06 in 249372 control chromosomes. The available data on variant occurrences in the general population are insufficient to allow any conclusion about variant significance. c.121A>G has been reported in the literature in at least one individual affected with microcephaly (example, Kosaki_2020). These report(s) do not provide unequivocal conclusions about association of the variant with CEP152-Related Disorders. To our knowledge, no experimental evidence demonstrating an impact on protein function has been reported. The following publication has been ascertained in the context of this evaluation (PMID: 32369273). No submitters have cited clinical-significance assessments for this variant to ClinVar. Based on the evidence outlined above, the variant was classified as uncertain significance.

Literature cited by the submitters: PubMed 32369273.